The following is an entry in ClinVar:

ClinVar aggregate classification (germline): Uncertain significance (1 of 4 stars; one submission).

Conditions:
Parkinsonism-dystonia, infantile. Identifiers: Orphanet 238455, MedGen C2751067, MONDO:0013150.

Submission:

Labcorp Genetics (formerly Invitae), Labcorp
Classification: Uncertain significance for Parkinsonism-dystonia, infantile. Last evaluated: 2024-02-26. Review status: criteria provided, single submitter. Criteria: Invitae Variant Classification Sherloc (09022015). Collection method: clinical testing. Allele origin: germline.
Comment: This sequence change replaces alanine, which is neutral and non-polar, with valine, which is neutral and non-polar, at codon 214 of the SLC6A3 protein (p.Ala214Val). This variant is not present in population databases (gnomAD no frequency). This variant has not been reported in the literature in individuals affected with SLC6A3-related conditions. ClinVar contains an entry for this variant (Variation ID: 2175943). Advanced modeling of protein sequence and biophysical properties (such as structural, functional, and spatial information, amino acid conservation, physicochemical variation, residue mobility, and thermodynamic stability) performed at Invitae indicates that this missense variant is not expected to disrupt SLC6A3 protein function with a negative predictive value of 80%. In summary, the available evidence is currently insufficient to determine the role of this variant in disease. Therefore, it has been classified as a Variant of Uncertain Significance.

NM_001044.5(SLC6A3):c.641C>T (p.Ala214Val)

Gene: SLC6A3 (solute carrier family 6 member 3). Cytogenetic location: 5p15.33.
Variant type: single nucleotide variant.
Coding change: c.641C>T on transcript NM_001044.5 (MANE Select); coding-DNA position 641, C replaced by T.
Protein change: p.Ala214Val; replaces alanine 214 with valine.
Molecular consequence: missense variant.
Genome position (GRCh38, 1-based): chr5:1,432,476, G>A on the plus strand (C>T on the coding strand, the complement: SLC6A3 is on the minus strand). VCF-style: chr5-1432476-G-A. GRCh37 (hg19) VCF-style: chr5-1432591-G-A.
Other names: short protein forms A214V.
Identifiers: ClinVar variation 2175943 (VCV002175943.4), dbSNP rs2477403943, ClinGen allele CA359060025.